The following is an entry in ClinVar:

ClinVar aggregate classification (germline): Uncertain significance. Review status: criteria provided, multiple submitters, no conflicts (2 of 4 stars). 2 submissions from 2 submitters: Uncertain significance (2). Last evaluated 2025-05-06.

Conditions:
Hereditary cancer-predisposing syndrome. Also called: Neoplastic Syndromes, Hereditary; Hereditary neoplastic syndrome; Tumor predisposition; Hereditary Cancer Syndrome. Identifiers: Orphanet 140162, MedGen C0027672, MeSH D009386, MONDO:0015356.

Submissions (2):

Ambry Genetics
Classification: Uncertain significance for Hereditary cancer-predisposing syndrome. Last evaluated: 2025-05-06. Review status: criteria provided, single submitter. Criteria: Ambry Variant Classification Scheme 2023. Collection method: clinical testing. Allele origin: germline.

Labcorp Genetics (formerly Invitae), Labcorp
Classification: Uncertain significance. Last evaluated: 2023-08-22. Review status: criteria provided, single submitter. Criteria: Invitae Variant Classification Sherloc (09022015). Collection method: clinical testing. Allele origin: germline.
Comment: This variant is not present in population databases (gnomAD no frequency). In summary, the available evidence is currently insufficient to determine the role of this variant in disease. Therefore, it has been classified as a Variant of Uncertain Significance. Advanced modeling of protein sequence and biophysical properties (such as structural, functional, and spatial information, amino acid conservation, physicochemical variation, residue mobility, and thermodynamic stability) performed at Invitae indicates that this missense variant is not expected to disrupt POLE protein function. This variant has not been reported in the literature in individuals affected with POLE-related conditions. This sequence change replaces cysteine, which is neutral and slightly polar, with serine, which is neutral and polar, at codon 1721 of the POLE protein (p.Cys1721Ser).

NM_006231.4(POLE):c.5162G>C (p.Cys1721Ser)

Gene: POLE (DNA polymerase epsilon, catalytic subunit; minus strand). Cytogenetic location: 12q24.33.
Variant type: single nucleotide variant.
Coding change: c.5162G>C on transcript NM_006231.4 (MANE Select); coding-DNA position 5162, G replaced by C.
Protein change: p.Cys1721Ser; replaces cysteine 1721 with serine.
Molecular consequence: missense variant.
Genome position (GRCh38, 1-based): chr12:132,642,188, C>G on the plus strand (G>C on the coding strand, the complement: POLE is on the minus strand). VCF-style: chr12-132642188-C-G. GRCh37 (hg19) VCF-style: chr12-133218774-C-G.
Other names: c.5162G>C (NM_006231.2); short protein forms C1721S.
Identifiers: ClinVar variation 2893701 (VCV002893701.4), dbSNP rs2138528968, ClinGen allele CA387376649.